The following is an entry in ClinVar:

ClinVar aggregate classification (germline): Conflicting classifications of pathogenicity. Review status: criteria provided, conflicting classifications (1 of 4 stars). 2 submissions from 2 submitters: Likely pathogenic (1); Uncertain significance (1). Last evaluated 2025-03-03.

Conditions:
NF1-related disorder. Also called: NF1-related condition. Identifiers: MedGen CN379171.
Cardiovascular phenotype. Identifiers: MedGen CN230736.
Hereditary cancer-predisposing syndrome. Also called: Neoplastic Syndromes, Hereditary; Tumor predisposition; Hereditary Cancer Syndrome; Hereditary neoplastic syndrome. Identifiers: Orphanet 140162, MedGen C0027672, MeSH D009386, MONDO:0015356.

Submissions (2):

Ambry Genetics
Classification: Uncertain significance for Cardiovascular phenotype; Hereditary cancer-predisposing syndrome. Last evaluated: 2025-03-03. Review status: criteria provided, single submitter. Criteria: Ambry Variant Classification Scheme 2023. Collection method: clinical testing. Allele origin: germline.
Comment: The p.L1183V variant (also known as c.3547C>G), located in coding exon 27 of the NF1 gene, results from a C to G substitution at nucleotide position 3547. The leucine at codon 1183 is replaced by valine, an amino acid with highly similar properties. This alteration was identified in an individual diagnosed with cafe au lait macules (Castellanos E et al. Clin Genet, 2020 Feb;97:264-275). This amino acid position is highly conserved in available vertebrate species. In addition, this alteration is predicted to be deleterious by in silico analysis. Based on the available evidence, the clinical significance of this variant remains unclear.

Blueprint Genetics
Classification: Likely pathogenic for NF1-related disorders. Last evaluated: 2022-04-04. Review status: criteria provided, single submitter. Criteria: ACMG Guidelines, 2015. Collection method: clinical testing. Allele origin: germline. Affected: yes. Observed: 1 variant allele.

Literature cited by the submitters: PubMed 31573083 (cited by Ambry Genetics).

NM_001042492.3(NF1):c.3547C>G (p.Leu1183Val)

Gene: NF1 (neurofibromin 1; plus strand). Cytogenetic location: 17q11.2.
Variant type: single nucleotide variant.
Coding change: c.3547C>G on transcript NM_001042492.3 (MANE Select); coding-DNA position 3547, C replaced by G.
Protein change: p.Leu1183Val; replaces leucine 1183 with valine.
Molecular consequence: missense variant.
Genome position (GRCh38, 1-based): chr17:31,233,052, C>G. VCF-style: chr17-31233052-C-G. GRCh37 (hg19) VCF-style: chr17-29560070-C-G.
Other names: c.3547C>G, p.Leu1183Val (NM_000267.4); short protein forms L1183V.
Identifiers: ClinVar variation 3879121 (VCV003879121.2).
Genomic context (GRCh38, chr17:31,233,052, plus strand): 5'-TCCACATTAGGCTTAGGTTACCACAAGGATCTCCAGACAAGAGCTACATTTATGGAAGTT[C>G]TGACAAAAATCCTTCAACAAGGCACAGAATTTGACACACTTGCAGAAACAGTATTGGCTG-3'
Protein context (NP_001035957.1, residues 1173-1193): LQTRATFMEV[Leu1183Val]TKILQQGTEF